The following is an entry in ClinVar:

NM_001182.5(ALDH7A1):c.149A>G (p.Glu50Gly)

Gene: ALDH7A1 (aldehyde dehydrogenase 7 family member A1; minus strand). Cytogenetic location: 5q23.2.
Variant type: single nucleotide variant.
Coding change: c.149A>G on transcript NM_001182.5 (MANE Select); coding-DNA position 149, A replaced by G.
Protein change: p.Glu50Gly; replaces glutamic acid 50 with glycine.
Molecular consequence: missense variant.
Genome position (GRCh38, 1-based): chr5:126,595,050, T>C on the plus strand (A>G on the coding strand, the complement: ALDH7A1 is on the minus strand). VCF-style: chr5-126595050-T-C. GRCh37 (hg19) VCF-style: chr5-125930742-T-C.
Other names: c.65A>G, p.Glu22Gly (NM_001201377.2); c.149A>G, p.Glu50Gly (NM_001202404.2); short protein forms E22G, E50G.
Identifiers: ClinVar variation 1514120 (VCV001514120.8), dbSNP rs2112819973, ClinGen allele CA360733744.

ClinVar aggregate classification (germline): Uncertain significance (1 of 4 stars; one submission).

Conditions:
Pyridoxine-dependent epilepsy (EPEO4). Also called: Pyridoxine-Dependent Seizures; Pyridoxine-Dependent Epilepsy - ALDH7A1; PYRIDOXINE DEPENDENCY WITH SEIZURES; EPILEPSY, EARLY-ONSET, 4, VITAMIN B6-DEPENDENT. Identifiers: Orphanet 3006, MedGen C1849508, MONDO:0009945, OMIM 266100. Disease mechanism: loss of function.

Submission:

Labcorp Genetics (formerly Invitae), Labcorp
Classification: Uncertain significance for Pyridoxine-dependent epilepsy. Last evaluated: 2022-07-26. Review status: criteria provided, single submitter. Criteria: Invitae Variant Classification Sherloc (09022015). Collection method: clinical testing. Allele origin: germline.
Comment: In summary, the available evidence is currently insufficient to determine the role of this variant in disease. Therefore, it has been classified as a Variant of Uncertain Significance. Advanced modeling of protein sequence and biophysical properties (such as structural, functional, and spatial information, amino acid conservation, physicochemical variation, residue mobility, and thermodynamic stability) performed at Invitae indicates that this missense variant is not expected to disrupt ALDH7A1 protein function. ClinVar contains an entry for this variant (Variation ID: 1514120). This variant has not been reported in the literature in individuals affected with ALDH7A1-related conditions. This variant is not present in population databases (gnomAD no frequency). This sequence change replaces glutamic acid, which is acidic and polar, with glycine, which is neutral and non-polar, at codon 50 of the ALDH7A1 protein (p.Glu50Gly).